The following is an entry in ClinVar:

NM_016955.4(SEPSECS):c.*2966A>G

Gene: SEPSECS (Sep (O-phosphoserine) tRNA:Sec (selenocysteine) tRNA synthase; minus strand). Cytogenetic location: 4p15.2.
Variant type: single nucleotide variant.
Coding change: c.*2966A>G on transcript NM_016955.4 (MANE Select); 2966 bases downstream of the stop codon, A replaced by G.
Molecular consequence: 3 prime UTR variant.
Genome position (GRCh38, 1-based): chr4:25,120,965, T>C on the plus strand (A>G on the coding strand, the complement: SEPSECS is on the minus strand). VCF-style: chr4-25120965-T-C. GRCh37 (hg19) VCF-style: chr4-25122587-T-C.
Identifiers: ClinVar variation 901770 (VCV000901770.4), dbSNP rs115116065, ClinGen allele CA93607560.
Genomic context (GRCh38, chr4:25,120,965, plus strand): 5'-TGGAAGCCATAGATGTAGTCTAAGCACATTCTGTAGCCCAGTCCTCAATAACAGTTCTTA[T>C]TATGAGGTGGTTAAAGACACAGAACCACAGTGAAGTGCTGATCATAATATTAGAAAAATT-3'

ClinVar aggregate classification (germline): Benign (1 of 4 stars; one submission).

Conditions:
Pontocerebellar hypoplasia type 2D (PCH2D). Also called: Progressive cerebello-cerebral atrophy. Identifiers: Orphanet 247198, Orphanet 2524, MedGen C3151140, MONDO:0013438, OMIM 613811.

Allele frequency attached by ClinVar (database versions not stated): 1000 Genomes Project 30x 0.00843; 1000 Genomes Project 0.00859; TOPMed 0.01663; gnomAD 0.01722 and 0.01758.

Submission:

Illumina Laboratory Services, Illumina
Classification: Benign for Pontocerebellar hypoplasia type 2D. Last evaluated: 2017-04-27. Review status: criteria provided, single submitter. Criteria: ICSL Variant Classification Criteria 13 December 2019. Collection method: clinical testing. Allele origin: germline.
Comment: This variant was observed as part of a predisposition screen in an ostensibly healthy population. A literature search was performed for the gene, cDNA change, and amino acid change (where applicable). No publications were found based on this search. Allele frequency data from public databases was too high to be consistent with this variant causing disease. Therefore, this variant is classified as benign.